The following is an entry in ClinVar:

NM_002691.4(POLD1):c.840G>C (p.Lys280Asn)

Gene: POLD1 (DNA polymerase delta 1, catalytic subunit; plus strand). Cytogenetic location: 19q13.33.
Variant type: single nucleotide variant.
Coding change: c.840G>C on transcript NM_002691.4 (MANE Select); coding-DNA position 840, G replaced by C.
Protein change: p.Lys280Asn; replaces lysine 280 with asparagine.
Molecular consequence: missense variant. On other transcripts: non-coding transcript variant (1).
Genome position (GRCh38, 1-based): chr19:50,402,535, G>C. VCF-style: chr19-50402535-G-C. GRCh37 (hg19) VCF-style: chr19-50905792-G-C.
Other names: c.840G>C (NM_002691.2); c.840G>C, p.Lys280Asn (NM_001256849.1, NM_001308632.1); short protein forms K280N.
Identifiers: ClinVar variation 2899914 (VCV002899914.4), dbSNP rs2122252044, ClinGen allele CA406975163.

ClinVar aggregate classification (germline): Uncertain significance. Review status: criteria provided, multiple submitters, no conflicts (2 of 4 stars). 2 submissions from 2 submitters: Uncertain significance (2). Last evaluated 2026-03-31.

Conditions:
POLD1-related polyposis and colorectal cancer syndrome (CRCS10). Also called: Colorectal cancer 10; COLORECTAL CANCER, SUSCEPTIBILITY TO, ON CHROMOSOME 19q; Colorectal cancer, susceptibility to, 10. Identifiers: Orphanet 220460, MedGen C2675481, MONDO:0012953, OMIM 612591.
Hereditary cancer-predisposing syndrome. Also called: Neoplastic Syndromes, Hereditary; Tumor predisposition; Hereditary Cancer Syndrome; Hereditary neoplastic syndrome. Identifiers: Orphanet 140162, MedGen C0027672, MeSH D009386, MONDO:0015356.

Submissions (2):

Ambry Genetics
Classification: Uncertain significance for Hereditary cancer-predisposing syndrome. Last evaluated: 2026-03-31. Review status: criteria provided, single submitter. Criteria: Ambry Variant Classification Scheme 2023. Collection method: clinical testing. Allele origin: germline.
Comment: The p.K280N variant (also known as c.840G>C ), located in coding exon 6 of the POLD1 gene, results from a G to C substitution at nucleotide position 840. The amino acid change results in lysine to asparagine at codon 280, an amino acid with similar properties. However, this change occurs in the last base pair of coding exon 6, which makes it likely to have some effect on normal mRNA splicing. This nucleotide position is highly conserved in available vertebrate species. This amino acid position is well conserved in available vertebrate species. In silico splice site analysis predicts that this alteration will weaken the native splice donor site. In addition, as a missense substitution this is predicted to be tolerated by in silico analysis. However, loss of function has not been established as a mechanism of disease. Based on the available evidence, the clinical significance of this variant remains unclear.

Labcorp Genetics (formerly Invitae), Labcorp
Classification: Uncertain significance for POLD1-related polyposis and colorectal cancer syndrome. Last evaluated: 2023-11-08. Review status: criteria provided, single submitter. Criteria: Invitae Variant Classification Sherloc (09022015). Collection method: clinical testing. Allele origin: germline.
Comment: This sequence change replaces lysine, which is basic and polar, with asparagine, which is neutral and polar, at codon 280 of the POLD1 protein (p.Lys280Asn). This variant also falls at the last nucleotide of exon 7, which is part of the consensus splice site for this exon. This variant is not present in population databases (gnomAD no frequency). This variant has not been reported in the literature in individuals affected with POLD1-related conditions. An algorithm developed to predict the effect of missense changes on protein structure and function (PolyPhen-2) suggests that this variant is likely to be disruptive. Variants that disrupt the consensus splice site are a relatively common cause of aberrant splicing (PMID: 17576681, 9536098). Algorithms developed to predict the effect of sequence changes on RNA splicing suggest that this variant may disrupt the consensus splice site. In summary, the available evidence is currently insufficient to determine the role of this variant in disease. Therefore, it has been classified as a Variant of Uncertain Significance.

Literature cited by the submitters: PubMed 17576681 (cited by Labcorp Genetics (formerly Invitae), Labcorp); PubMed 9536098 (cited by Labcorp Genetics (formerly Invitae), Labcorp).